The following is an entry in ClinVar:

NM_000179.3(MSH6):c.3595A>T (p.Ser1199Cys)

Gene: MSH6 (mutS homolog 6; plus strand). Cytogenetic location: 2p16.3.
Variant type: single nucleotide variant.
Coding change: c.3595A>T on transcript NM_000179.3 (MANE Select); coding-DNA position 3595, A replaced by T.
Protein change: p.Ser1199Cys; replaces serine 1199 with cysteine.
Molecular consequence: missense variant.
Genome position (GRCh38, 1-based): chr2:47,805,656, A>T. VCF-style: chr2-47805656-A-T. GRCh37 (hg19) VCF-style: chr2-48032795-A-T.
Other names: c.3205A>T, p.Ser1069Cys (NM_001281492.2); c.2689A>T, p.Ser897Cys (NM_001281493.2, NM_001281494.2); short protein forms S1199C, S1069C, S897C.
Identifiers: ClinVar variation 846423 (VCV000846423.15), dbSNP rs1558390771, ClinGen allele CA346760542.

ClinVar aggregate classification (germline): Uncertain significance. Review status: criteria provided, multiple submitters, no conflicts (2 of 4 stars). 4 submissions from 4 submitters: Uncertain significance (4). Last evaluated 2024-10-24.

Conditions:
Lynch syndrome. Identifiers: Orphanet 144, MedGen C4552100, MONDO:0005835. Disease mechanism: loss of function.
Hereditary nonpolyposis colorectal neoplasms. Identifiers: MedGen C0009405, MeSH D003123.
Hereditary cancer-predisposing syndrome. Also called: Tumor predisposition; Hereditary neoplastic syndrome; Neoplastic Syndromes, Hereditary; Hereditary Cancer Syndrome. Identifiers: Orphanet 140162, MedGen C0027672, MeSH D009386, MONDO:0015356.
Endometrial carcinoma. Also called: Endometrial carcinoma, somatic. Identifiers: MedGen C0476089, MONDO:0002447, OMIM 608089, HP:0012114.

Submissions (4):

Ambry Genetics
Classification: Uncertain significance for Hereditary cancer-predisposing syndrome. Last evaluated: 2024-10-24. Review status: criteria provided, single submitter. Criteria: Ambry Variant Classification Scheme 2023. Collection method: clinical testing. Allele origin: germline.
Comment: The p.S1199C variant (also known as c.3595A>T), located in coding exon 7 of the MSH6 gene, results from an A to T substitution at nucleotide position 3595. The serine at codon 1199 is replaced by cysteine, an amino acid with dissimilar properties. This amino acid position is highly conserved in available vertebrate species. In addition, this alteration is predicted to be deleterious by in silico analysis. Since supporting evidence is limited at this time, the clinical significance of this alteration remains unclear.

Labcorp Genetics (formerly Invitae), Labcorp
Classification: Uncertain significance for Hereditary nonpolyposis colorectal neoplasms. Last evaluated: 2024-06-10. Review status: criteria provided, single submitter. Criteria: Invitae Variant Classification Sherloc (09022015). Collection method: clinical testing. Allele origin: germline.
Comment: This sequence change replaces serine, which is neutral and polar, with cysteine, which is neutral and slightly polar, at codon 1199 of the MSH6 protein (p.Ser1199Cys). This variant is not present in population databases (gnomAD no frequency). This variant has not been reported in the literature in individuals affected with MSH6-related conditions. ClinVar contains an entry for this variant (Variation ID: 846423). Advanced modeling of protein sequence and biophysical properties (such as structural, functional, and spatial information, amino acid conservation, physicochemical variation, residue mobility, and thermodynamic stability) performed at Invitae indicates that this missense variant is not expected to disrupt MSH6 protein function with a negative predictive value of 95%. In summary, the available evidence is currently insufficient to determine the role of this variant in disease. Therefore, it has been classified as a Variant of Uncertain Significance.

Baylor Genetics
Classification: Uncertain significance for Endometrial carcinoma. Last evaluated: 2023-06-15. Review status: criteria provided, single submitter. Criteria: ACMG Guidelines, 2015. Collection method: clinical testing. Allele origin: unknown.

All of Us Research Program, National Institutes of Health
Classification: Uncertain significance for Lynch syndrome. Last evaluated: 2023-05-31. Review status: criteria provided, single submitter. Criteria: ACMG Guidelines, 2015. Collection method: clinical testing. Allele origin: germline. Inheritance: Autosomal dominant inheritance. Observed: 1 variant allele, 1 heterozygote.
Comment: This study involves interpretation of variants in research participants for the purpose of population health screening. Participant phenotype was not available at the time of variant classification. Additional details can be found in publication PMID: 35346344, PMCID: PMC8962531